The following is an entry in ClinVar:

ClinVar aggregate classification (germline): Uncertain significance (1 of 4 stars; one submission).

Submission:

Women's Health and Genetics/Laboratory Corporation of America, LabCorp
Classification: Uncertain significance. Last evaluated: 2024-04-11. Review status: criteria provided, single submitter. Criteria: LabCorp Variant Classification Summary - May 2015. Collection method: clinical testing. Allele origin: germline.
Comment: Variant summary: HOXA11 c.819A>T (p.Gln273His) results in a non-conservative amino acid change located in the Homeobox domain (IPR001356) of the encoded protein sequence. Five of five in-silico tools predict a damaging effect of the variant on protein function. The variant was absent in 251162 control chromosomes (gnomAD). The available data on variant occurrences in the general population are insufficient to allow any conclusion about variant significance. To our knowledge, no occurrence of c.819A>T in individuals affected with Radioulnar Synostosis With Amegakaryocytic Thrombocytopenia 1 and no experimental evidence demonstrating its impact on protein function have been reported. No submitters have cited clinical-significance assessments for this variant to ClinVar. Based on the evidence outlined above, the variant was classified as uncertain significance.

NM_005523.6(HOXA11):c.819A>T (p.Gln273His)

Gene: HOXA11 (homeobox A11; minus strand). Cytogenetic location: 7p15.2.
Variant type: single nucleotide variant.
Coding change: c.819A>T on transcript NM_005523.6 (MANE Select); coding-DNA position 819, A replaced by T.
Protein change: p.Gln273His; replaces glutamine 273 with histidine.
Molecular consequence: missense variant.
Genome position (GRCh38, 1-based): chr7:27,182,919, T>A on the plus strand (A>T on the coding strand, the complement: HOXA11 is on the minus strand). VCF-style: chr7-27182919-T-A. GRCh37 (hg19) VCF-style: chr7-27222538-T-A.
Other names: short protein forms Q273H.
Identifiers: ClinVar variation 3251354 (VCV003251354.1), dbSNP rs2534803453.